The following is an entry in ClinVar:

NM_138295.5(PKD1L1):c.7962G>A (p.Gly2654=)

Genes: PKD1L1 (polycystin 1 like 1, transient receptor potential channel interacting; minus strand), PKD1L1-AS1 (PKD1L1 antisense RNA 1; plus strand). Cytogenetic location: 7p12.3.
Variant type: single nucleotide variant.
Coding change: c.7962G>A on transcript NM_138295.5 (MANE Select); coding-DNA position 7962, G replaced by A.
Protein change: p.Gly2654=; no amino-acid change (glycine 2654 retained).
Molecular consequence: synonymous variant.
Genome position (GRCh38, 1-based): chr7:47,803,210, C>T on the plus strand (G>A on the coding strand, the complement: PKD1L1 is on the minus strand). VCF-style: chr7-47803210-C-T. GRCh37 (hg19) VCF-style: chr7-47842808-C-T.
Identifiers: ClinVar variation 5007214 (VCV005007214.2).

ClinVar aggregate classification (germline): Uncertain significance (1 of 4 stars; one submission).

Conditions:
Heterotaxy, visceral, 8, autosomal (HTX8). Identifiers: MONDO:0014967, OMIM 617205, MedGen C4310668.

gnomAD v4.1: 2 of 1,614,012 alleles (0.00012%); highest among the groups gnomAD compares: East Asian, 0.0045%; no homozygotes.

Submission:

Juno Genomics, Hangzhou Juno Genomics, Inc
Classification: Uncertain significance for Heterotaxy, visceral, 8, autosomal. Review status: criteria provided, single submitter. Criteria: ACMG Guidelines, 2015. Collection method: clinical testing. Allele origin: germline.
Comment: Absent from controls (or at extremely low frequency if recessive) in Genome Aggregation Database.;Multiple lines of computational evidence support a deleterious effect on the gene or gene product.